The following is an entry in ClinVar:

ClinVar aggregate classification (germline): Uncertain significance (1 of 4 stars; one submission).

Conditions:
Autosomal dominant polycystic kidney disease. Identifiers: Orphanet 730, MedGen C0085413, MONDO:0004691.

gnomAD v4.1: 9 of 1,512,940 alleles (0.00059%); highest among the groups gnomAD compares: East Asian, 0.02%; no homozygotes.

Submission:

Labcorp Genetics (formerly Invitae), Labcorp
Classification: Uncertain significance for Autosomal dominant polycystic kidney disease. Last evaluated: 2024-09-16. Review status: criteria provided, single submitter. Criteria: Invitae Variant Classification Sherloc (09022015). Collection method: clinical testing. Allele origin: germline.
Comment: This sequence change replaces valine, which is neutral and non-polar, with leucine, which is neutral and non-polar, at codon 194 of the PKD2 protein (p.Val194Leu). This variant is present in population databases (no rsID available, gnomAD 0.02%). This variant has not been reported in the literature in individuals affected with PKD2-related conditions. Invitae Evidence Modeling of protein sequence and biophysical properties (such as structural, functional, and spatial information, amino acid conservation, physicochemical variation, residue mobility, and thermodynamic stability) indicates that this missense variant is not expected to disrupt PKD2 protein function with a negative predictive value of 80%. In summary, the available evidence is currently insufficient to determine the role of this variant in disease. Therefore, it has been classified as a Variant of Uncertain Significance.

NM_000297.4(PKD2):c.580G>C (p.Val194Leu)

Genes: PKD2 (polycystin 2, transient receptor potential cation channel; plus strand), LOC129992813 (ATAC-STARR-seq lymphoblastoid silent region 15559; plus strand). Cytogenetic location: 4q22.1.
Variant type: single nucleotide variant.
Coding change: c.580G>C on transcript NM_000297.4 (MANE Select); coding-DNA position 580, G replaced by C.
Protein change: p.Val194Leu; replaces valine 194 with leucine.
Molecular consequence: missense variant. On other transcripts: non-coding transcript variant (1).
Genome position (GRCh38, 1-based): chr4:88,008,313, G>C. VCF-style: chr4-88008313-G-C. GRCh37 (hg19) VCF-style: chr4-88929465-G-C.
Other names: short protein forms V194L.
Identifiers: ClinVar variation 3625907 (VCV003625907.2).